The following is an entry in ClinVar:

ClinVar aggregate classification (germline): Uncertain significance (1 of 4 stars; one submission).

Submission:

Labcorp Genetics (formerly Invitae), Labcorp
Classification: Uncertain significance. Last evaluated: 2022-08-15. Review status: criteria provided, single submitter. Criteria: Invitae Variant Classification Sherloc (09022015). Collection method: clinical testing. Allele origin: germline.
Comment: In summary, the available evidence is currently insufficient to determine the role of this variant in disease. Therefore, it has been classified as a Variant of Uncertain Significance. Algorithms developed to predict the effect of missense changes on protein structure and function are either unavailable or do not agree on the potential impact of this missense change (SIFT: "Deleterious"; PolyPhen-2: "Possibly Damaging"; Align-GVGD: "Class C0"). ClinVar contains an entry for this variant (Variation ID: 1471001). This variant has not been reported in the literature in individuals affected with MYO5B-related conditions. This variant is not present in population databases (gnomAD no frequency). This sequence change replaces threonine, which is neutral and polar, with lysine, which is basic and polar, at codon 1382 of the MYO5B protein (p.Thr1382Lys).

NM_001080467.3(MYO5B):c.4145C>A (p.Thr1382Lys)

Gene: MYO5B (myosin VB; minus strand). Cytogenetic location: 18q21.1.
Variant type: single nucleotide variant.
Coding change: c.4145C>A on transcript NM_001080467.3 (MANE Select); coding-DNA position 4145, C replaced by A.
Protein change: p.Thr1382Lys; replaces threonine 1382 with lysine.
Molecular consequence: missense variant.
Genome position (GRCh38, 1-based): chr18:49,853,525, G>T on the plus strand (C>A on the coding strand, the complement: MYO5B is on the minus strand). VCF-style: chr18-49853525-G-T. GRCh37 (hg19) VCF-style: chr18-47379895-G-T.
Other names: short protein forms T1382K.
Identifiers: ClinVar variation 1471001 (VCV001471001.8), dbSNP rs145598498, ClinGen allele CA402426666.